The following is an entry in ClinVar:

NM_000142.5(FGFR3):c.935C>A (p.Ala312Glu)

Gene: FGFR3 (fibroblast growth factor receptor 3; plus strand). Cytogenetic location: 4p16.3.
Variant type: single nucleotide variant.
Coding change: c.935C>A on transcript NM_000142.5 (MANE Select); coding-DNA position 935, C replaced by A.
Protein change: p.Ala312Glu; replaces alanine 312 with glutamic acid.
Molecular consequence: missense variant. On other transcripts: non-coding transcript variant (1), intron variant (2).
Genome position (GRCh38, 1-based): chr4:1,803,696, C>A. VCF-style: chr4-1803696-C-A. GRCh37 (hg19) VCF-style: chr4-1805423-C-A.
Other names: c.935C>A, p.Ala312Glu (NM_001354809.2, NM_001354810.2); c.1081+632C>A (NM_001163213.2); c.931-1128C>A (NM_022965.4); short protein forms A312E.
Identifiers: ClinVar variation 4976125 (VCV004976125.1).

ClinVar aggregate classification (germline): Uncertain significance (1 of 4 stars; one submission).

gnomAD v4.1: 1 of 1,613,520 alleles (0.000062%); highest among the groups gnomAD compares: East Asian, 0.0022%; no homozygotes.

Submission:

GeneDx
Classification: Uncertain significance. Last evaluated: 2026-02-05. Review status: criteria provided, single submitter. Criteria: GeneDx Variant Classification Process June 2021. Collection method: clinical testing. Allele origin: germline.
Comment: In silico analysis supports that this missense variant has a deleterious effect on protein structure/function; Has not been previously published as pathogenic or benign to our knowledge